The following is an entry in ClinVar:

ClinVar aggregate classification (germline): Uncertain significance (1 of 4 stars; one submission).

Conditions:
Hereditary cancer-predisposing syndrome. Also called: Neoplastic Syndromes, Hereditary; Tumor predisposition; Hereditary neoplastic syndrome; Hereditary Cancer Syndrome. Identifiers: Orphanet 140162, MedGen C0027672, MeSH D009386, MONDO:0015356.

Submission:

Ambry Genetics
Classification: Uncertain significance for Hereditary cancer-predisposing syndrome. Last evaluated: 2024-03-07. Review status: criteria provided, single submitter. Criteria: Ambry Variant Classification Scheme 2023. Collection method: clinical testing. Allele origin: germline.
Comment: The p.M1402K variant (also known as c.4205T>A), located in coding exon 21 of the DICER1 gene, results from a T to A substitution at nucleotide position 4205. The methionine at codon 1402 is replaced by lysine, an amino acid with similar properties. This amino acid position is conserved. In addition, the in silico prediction for this alteration is inconclusive. Based on the available evidence, the clinical significance of this alteration remains unclear.

NM_177438.3(DICER1):c.4205T>A (p.Met1402Lys)

Gene: DICER1 (dicer 1, ribonuclease III; minus strand). Cytogenetic location: 14q32.13.
Variant type: single nucleotide variant.
Coding change: c.4205T>A on transcript NM_177438.3 (MANE Select); coding-DNA position 4205, T replaced by A.
Protein change: p.Met1402Lys; replaces methionine 1402 with lysine.
Molecular consequence: missense variant. On other transcripts: non-coding transcript variant (6).
Genome position (GRCh38, 1-based): chr14:95,099,781, A>T on the plus strand (T>A on the coding strand, the complement: DICER1 is on the minus strand). VCF-style: chr14-95099781-A-T. GRCh37 (hg19) VCF-style: chr14-95566118-A-T.
Other names: c.4205T>A, p.Met1402Lys (NM_001271282.3, NM_001291628.2, NM_001395677.1 and 13 more transcripts); c.3923T>A, p.Met1308Lys (NM_001395686.1); c.3800T>A, p.Met1267Lys (NM_001395687.1, NM_001395688.1, NM_001395689.1 and 2 more transcripts); c.3638T>A, p.Met1213Lys (NM_001395691.1); c.2522T>A, p.Met841Lys (NM_001395697.1); short protein forms M1213K, M1267K, M1308K, M1402K, M841K.
Identifiers: ClinVar variation 3229402 (VCV003229402.1), dbSNP rs1890709868, ClinGen allele CA390871685.